The following is an entry in ClinVar:

NC_000004.11:g.(?_47938438)_(47945449_?)del

Gene: CNGA1 (cyclic nucleotide gated channel subunit alpha 1; minus strand). Cytogenetic location: 4p12.
Variant type: Deletion.
Identifiers: ClinVar variation 1460228 (VCV001460228.7).

ClinVar aggregate classification (germline): Pathogenic (1 of 4 stars; one submission).

Submission:

Labcorp Genetics (formerly Invitae), Labcorp
Classification: Pathogenic. Last evaluated: 2023-03-20. Review status: criteria provided, single submitter. Criteria: Invitae Variant Classification Sherloc (09022015). Collection method: clinical testing. Allele origin: germline.
Comment: For these reasons, this variant has been classified as Pathogenic. This variant disrupts the p.Ser320 amino acid residue in CNGA1. Other variant(s) that disrupt this residue have been determined to be pathogenic (PMID: 7479749, 24265693, 25326637). This suggests that this residue is clinically significant, and that variants that disrupt this residue are likely to be disease-causing. A similar copy number variant has been observed in individual(s) with inherited retinal dystrophy (Invitae). In at least one individual the data is consistent with being in trans (on the opposite chromosome) from a pathogenic variant. This variant is a gross deletion of the genomic region encompassing exon(s) 7-11 of the CNGA1 gene, which includes the termination codon. This deletion extends beyond the assayed region for this gene and therefore may encompass additional genes. While this deletion is not anticipated to lead to nonsense mediated decay, it is expected to alter mRNA translation or result in a truncated protein product.

Literature cited by the submitters: PubMed 7479749; PubMed 24265693; PubMed 25326637.